The following is an entry in ClinVar:

NM_001256545.2(MEGF10):c.*1522C>A

Gene: MEGF10 (multiple EGF like domains 10; plus strand). Cytogenetic location: 5q23.2.
Variant type: single nucleotide variant.
Coding change: c.*1522C>A on transcript NM_001256545.2 (MANE Select); 1522 bases downstream of the stop codon, C replaced by A.
Molecular consequence: 3 prime UTR variant.
Genome position (GRCh38, 1-based): chr5:127,458,840, C>A. VCF-style: chr5-127458840-C-A. GRCh37 (hg19) VCF-style: chr5-126794532-C-A.
Other names: c.*1522C>A (NM_032446.3).
Identifiers: ClinVar variation 906649 (VCV000906649.4), dbSNP rs74560067, ClinGen allele CA126955511.

ClinVar aggregate classification (germline): Likely benign (1 of 4 stars; one submission).

Conditions:
MEGF10-related myopathy (CMYO10A). Also called: Congenital myopathy 10A, severe variant. Identifiers: Orphanet 439212, MedGen C3280679, MONDO:0013731, OMIM 614399.

Allele frequency attached by ClinVar (database versions not stated): gnomAD 0.02969 and 0.03005; 1000 Genomes Project 30x 0.03076; TOPMed 0.03133; 1000 Genomes Project 0.03235.

Submission:

Illumina Laboratory Services, Illumina
Classification: Likely benign for MEGF10-related myopathy. Last evaluated: 2018-01-12. Review status: criteria provided, single submitter. Criteria: ICSL Variant Classification Criteria 13 December 2019. Collection method: clinical testing. Allele origin: germline.
Comment: This variant was observed in the ICSL laboratory as part of a predisposition screen in an ostensibly healthy population. It had not been previously curated by ICSL or reported in the Human Gene Mutation Database (HGMD: prior to June 1st, 2018), and was therefore a candidate for classification through an automated scoring system. Utilizing variant allele frequency, disease prevalence and penetrance estimates, and inheritance mode, an automated score was calculated to assess if this variant is too frequent to cause the disease. Based on the score and internal cut-off values, a variant classified as likely benign is not then subjected to further curation. The score for this variant resulted in a classification of likely benign for this disease.